The following is an entry in ClinVar:

ClinVar aggregate classification (germline): Uncertain significance (1 of 4 stars; one submission).

Allele frequency attached by ClinVar (database versions not stated): gnomAD exomes below 0.00001.
gnomAD v4.1: 5 of 1,614,072 alleles (0.00031%); highest among the groups gnomAD compares: Non-Finnish European, 0.00042%; no homozygotes.

Submission:

GeneDx
Classification: Uncertain significance. Last evaluated: 2024-04-23. Review status: criteria provided, single submitter. Criteria: GeneDx Variant Classification Process June 2021. Collection method: clinical testing. Allele origin: germline. Affected: yes.
Comment: Not observed at significant frequency in large population cohorts (gnomAD); In silico analysis supports that this missense variant has a deleterious effect on protein structure/function; Has not been previously published as pathogenic or benign to our knowledge

NM_001692.4(ATP6V1B1):c.1303G>A (p.Glu435Lys)

Gene: ATP6V1B1 (ATPase H+ transporting V1 subunit B1; plus strand). Cytogenetic location: 2p13.3.
Variant type: single nucleotide variant.
Coding change: c.1303G>A on transcript NM_001692.4 (MANE Select); coding-DNA position 1303, G replaced by A.
Protein change: p.Glu435Lys; replaces glutamic acid 435 with lysine.
Molecular consequence: missense variant.
Genome position (GRCh38, 1-based): chr2:70,964,790, G>A. VCF-style: chr2-70964790-G-A. GRCh37 (hg19) VCF-style: chr2-71191920-G-A.
Other names: short protein forms E435K.
Identifiers: ClinVar variation 1711923 (VCV001711923.3), dbSNP rs2466307444, ClinGen allele CA347188667.